The following is an entry in ClinVar:

NM_022437.3(ABCG8):c.647del (p.Gly216fs)

Gene: ABCG8 (ATP binding cassette subfamily G member 8; plus strand). Cytogenetic location: 2p21.
Variant type: Deletion.
Coding change: c.647del on transcript NM_022437.3 (MANE Select); coding-DNA position 647, one base deleted (G; older notation c.647delG).
Protein change: p.Gly216fs; shifts the reading frame from glycine 216.
Molecular consequence: frameshift variant.
Genome position (GRCh38, 1-based): chr2:43,852,439, G deleted; the last of 6 consecutive G bases (chr2:43,852,434-43,852,439); deleting any one gives the same sequence. VCF-style (leftmost placement, unchanged base first): chr2-43852433-CG-C. GRCh37 (hg19) VCF-style: chr2-44079572-CG-C.
Other names: c.647del, p.Gly216fs (NM_001357321.2); short protein forms G216fs.
Identifiers: ClinVar variation 1447169 (VCV001447169.6), dbSNP rs2104919976, ClinGen allele CA532703062.

ClinVar aggregate classification (germline): Pathogenic (1 of 4 stars; one submission).

Submission:

Labcorp Genetics (formerly Invitae), Labcorp
Classification: Pathogenic. Last evaluated: 2021-08-24. Review status: criteria provided, single submitter. Criteria: Invitae Variant Classification Sherloc (09022015). Collection method: clinical testing. Allele origin: germline.
Comment: For these reasons, this variant has been classified as Pathogenic. Algorithms developed to predict the effect of sequence changes on RNA splicing suggest that this variant may create or strengthen a splice site. This variant has not been reported in the literature in individuals affected with ABCG8-related conditions. This variant is not present in population databases (ExAC no frequency). This sequence change creates a premature translational stop signal (p.Gly216Valfs*37) in the ABCG8 gene. It is expected to result in an absent or disrupted protein product. Loss-of-function variants in ABCG8 are known to be pathogenic (PMID: 11452359, 15375183, 16029460).

Literature cited by the submitters: PubMed 11452359; PubMed 15375183; PubMed 16029460.